The following is an entry in ClinVar:

NM_004415.4(DSP):c.4916T>G (p.Val1639Gly)

Gene: DSP (desmoplakin; plus strand). Cytogenetic location: 6p24.3.
Variant type: single nucleotide variant.
Coding change: c.4916T>G on transcript NM_004415.4 (MANE Select); coding-DNA position 4916, T replaced by G.
Protein change: p.Val1639Gly; replaces valine 1639 with glycine.
Molecular consequence: missense variant. On other transcripts: intron variant (2).
Genome position (GRCh38, 1-based): chr6:7,581,106, T>G. VCF-style: chr6-7581106-T-G. GRCh37 (hg19) VCF-style: chr6-7581339-T-G.
Other names: c.4050+866T>G (NM_001319034.2); c.3582+1334T>G (NM_001008844.3); c.4916T>G (NM_004415.3); short protein forms V1639G.
Identifiers: ClinVar variation 850388 (VCV000850388.19), dbSNP rs1304994640, ClinGen allele CA362687440.
Genomic context (GRCh38, chr6:7,581,106, plus strand): 5'-TGGAGCAGGCATCCATTGTTAAGAAGAGGAGTGAGGATGACCTCCGGCAGCAGAGGGACG[T>G]GCTGGATGGCCACCTGAGGGAAAAGCAGAGGACCCAGGAAGAGCTGAGGAGGCTCTCTTC-3'
Protein context (NP_004406.2, residues 1629-1649): SEDDLRQQRD[Val1639Gly]LDGHLREKQR

ClinVar aggregate classification (germline): Uncertain significance. Review status: criteria provided, multiple submitters, no conflicts (2 of 4 stars). 6 submissions from 6 submitters: Uncertain significance (6). Last evaluated 2026-05-21.

Conditions:
Cardiovascular phenotype. Identifiers: MedGen CN230736.
DSP-related disorder. Also called: DSP-related disorders; DSP-related condition.
Keratosis palmoplantaris striata 2. Also called: KERATODERMA, PALMOPLANTAR, STRIATE FORM II; STRIATE PALMOPLANTAR KERATODERMA II; Keratosis palmoplantaris striata II. Identifiers: MedGen C1852127, MONDO:0013034, OMIM 612908.
Lethal acantholytic epidermolysis bullosa (EBLA). Identifiers: Orphanet 158687, MedGen C1864826, MONDO:0012323, OMIM 609638.
Cardiomyopathy, dilated, with wooly hair, keratoderma, and tooth agenesis. Also called: Cardiomyopathy, dilated, with woolly hair, keratoderma, and tooth agenesis; Erythrokeratodermia-cardiomyopathy syndrome. Identifiers: Orphanet 476096, Orphanet 65282, MedGen C4014393, MONDO:0014355, OMIM 615821.
Woolly hair-skin fragility syndrome (WHSF). Identifiers: Orphanet 293165, MedGen C1843292, MONDO:0957307, OMIM 620415.
Arrhythmogenic cardiomyopathy with wooly hair and keratoderma. Also called: Carvajal syndrome; Dilated cardiomyopathy with woolly hair and keratoderma; PALMOPLANTAR KERATODERMA WITH LEFT VENTRICULAR CARDIOMYOPATHY AND WOOLLY HAIR; Arrhythmogenic cardiomyopathy with woolly hair and keratoderma. Identifiers: Orphanet 65282, MedGen C1854063, MONDO:0011581, OMIM 605676.
Arrhythmogenic right ventricular dysplasia 8 (ARVD8). Also called: Arrhythmogenic Right Ventricular Dysplasia/Cardiomyopathy 8; ARRHYTHMOGENIC RIGHT VENTRICULAR DYSPLASIA, FAMILIAL, 8; ARRHYTHMOGENIC RIGHT VENTRICULAR CARDIOMYOPATHY 8. Identifiers: MedGen C1843896, MONDO:0011831, OMIM 607450.
Cardiomyopathy (CMYO). Also called: Cardiomyopathies. Identifiers: Orphanet 167848, MedGen C0878544, MONDO:0004994, HP:0001638. Inheritance: Various modes of inheritance.

Allele frequency attached by ClinVar (database versions not stated): gnomAD exomes below 0.00001 and 0.00001; gnomAD 0.00001; TOPMed 0.00001.
gnomAD v4.1: 4 of 1,613,916 alleles (0.00025%); highest among the groups gnomAD compares: Non-Finnish European, 0.00034%; no homozygotes.

Submissions (6):

PreventionGenetics, part of Exact Sciences
Classification: Uncertain significance for DSP-related condition. Last evaluated: 2026-05-21. Review status: criteria provided, single submitter. Criteria: ACMG Guidelines, 2015. Collection method: clinical testing. Allele origin: germline.
Comment: The DSP c.4916T>G variant is predicted to result in the amino acid substitution p.Val1639Gly. To our knowledge, this variant has not been reported in the literature. This variant is reported in 0.00088% of alleles in individuals of European (Non-Finnish) descent in gnomAD. At this time, the clinical significance of this variant is uncertain due to the absence of conclusive functional and genetic evidence.

Ambry Genetics
Classification: Uncertain significance for Cardiovascular phenotype. Last evaluated: 2025-08-14. Review status: criteria provided, single submitter. Criteria: Ambry Variant Classification Scheme 2023. Collection method: clinical testing. Allele origin: germline.

GeneDx
Classification: Uncertain significance. Last evaluated: 2025-03-18. Review status: criteria provided, single submitter. Criteria: GeneDx Variant Classification Process June 2021. Collection method: clinical testing. Allele origin: germline. Affected: yes.
Comment: Not observed at significant frequency in large population cohorts (gnomAD); In silico analysis supports that this missense variant has a deleterious effect on protein structure/function; Has not been previously published as pathogenic or benign to our knowledge

Color Diagnostics, LLC DBA Color Health
Classification: Uncertain significance for Cardiomyopathy. Last evaluated: 2024-03-06. Review status: criteria provided, single submitter. Criteria: ACMG Guidelines, 2015. Collection method: clinical testing. Allele origin: germline.
Comment: This missense variant replaces valine with glycine at codon 1639 of the DSP protein. Computational prediction suggests that this variant may not impact protein structure and function (internally defined REVEL score threshold <= 0.5, PMID: 27666373). To our knowledge, functional studies have not been reported for this variant. This variant has not been reported in individuals affected with cardiovascular disorders in the literature. This variant has been identified in 1/250346 chromosomes in the general population by the Genome Aggregation Database (gnomAD). The available evidence is insufficient to determine the role of this variant in disease conclusively. Therefore, this variant is classified as a Variant of Uncertain Significance.

Labcorp Genetics (formerly Invitae), Labcorp
Classification: Uncertain significance for Arrhythmogenic cardiomyopathy with wooly hair and keratoderma; Arrhythmogenic right ventricular dysplasia 8. Last evaluated: 2023-04-01. Review status: criteria provided, single submitter. Criteria: Invitae Variant Classification Sherloc (09022015). Collection method: clinical testing. Allele origin: germline.
Comment: This variant is present in population databases (no rsID available, gnomAD 0.0009%). This sequence change replaces valine, which is neutral and non-polar, with glycine, which is neutral and non-polar, at codon 1639 of the DSP protein (p.Val1639Gly). This variant has not been reported in the literature in individuals affected with DSP-related conditions. In summary, the available evidence is currently insufficient to determine the role of this variant in disease. Therefore, it has been classified as a Variant of Uncertain Significance. An algorithm developed to predict the effect of missense changes on protein structure and function (PolyPhen-2) suggests that this variant¬† is likely to be tolerated. ClinVar contains an entry for this variant (Variation ID: 850388).

Fulgent Genetics
Classification: Uncertain significance for Arrhythmogenic cardiomyopathy with wooly hair and keratoderma; Arrhythmogenic right ventricular dysplasia 8; Lethal acantholytic epidermolysis bullosa; Keratosis palmoplantaris striata 2; Cardiomyopathy, dilated, with wooly hair, keratoderma, and tooth agenesis. Last evaluated: 2021-10-13. Review status: criteria provided, single submitter. Criteria: ACMG Guidelines, 2015. Collection method: clinical testing. Allele origin: unknown.